The following is an entry in ClinVar:

ClinVar aggregate classification (germline): Uncertain significance (1 of 4 stars; one submission).

Allele frequency attached by ClinVar (database versions not stated): TOPMed 0.00006; gnomAD 0.00009.
gnomAD v4.1: 25 of 1,546,034 alleles (0.0016%); highest among the groups gnomAD compares: African/African-American, 0.032%; no homozygotes.

Submission:

GeneDx
Classification: Uncertain significance. Last evaluated: 2023-03-03. Review status: criteria provided, single submitter. Criteria: GeneDx Variant Classification Process June 2021. Collection method: clinical testing. Allele origin: germline. Affected: yes.
Comment: In silico analysis supports that this missense variant has a deleterious effect on protein structure/function; Has not been previously published as pathogenic or benign to our knowledge

NM_001145026.2(PTPRQ):c.5053G>T (p.Asp1685Tyr)

Gene: PTPRQ (protein tyrosine phosphatase receptor type Q; plus strand). Cytogenetic location: 12q21.31.
Variant type: single nucleotide variant.
Coding change: c.5053G>T on transcript NM_001145026.2 (MANE Select); coding-DNA position 5053, G replaced by T.
Protein change: p.Asp1685Tyr; replaces aspartic acid 1685 with tyrosine.
Molecular consequence: missense variant.
Genome position (GRCh38, 1-based): chr12:80,613,726, G>T. VCF-style: chr12-80613726-G-T. GRCh37 (hg19) VCF-style: chr12-81007505-G-T.
Other names: short protein forms D1685Y.
Identifiers: ClinVar variation 2578192 (VCV002578192.1), dbSNP rs1040836313, ClinGen allele CA240612717.